The following is an entry in ClinVar:

NM_002637.4(PHKA1):c.2229+13A>T

Gene: PHKA1 (phosphorylase kinase regulatory subunit alpha 1; minus strand). Cytogenetic location: Xq13.1.
Variant type: single nucleotide variant.
Coding change: c.2229+13A>T on transcript NM_002637.4 (MANE Select); 13 bases into the intron after coding-DNA position 2229, A replaced by T.
Molecular consequence: intron variant.
Genome position (GRCh38, 1-based): chrX:72,619,201, T>A on the plus strand (A>T on the coding strand, the complement: PHKA1 is on the minus strand). VCF-style: chrX-72619201-T-A. GRCh37 (hg19) VCF-style: chrX-71839051-T-A.
Other names: p.?; c.2052+13A>T (NM_001440788.1, NM_001172436.2); c.2229+13A>T (NM_001440787.1, NM_001122670.2, NM_001431068.1).
Identifiers: ClinVar variation 4684531 (VCV004684531.1).

ClinVar aggregate classification (germline): Likely benign (1 of 4 stars; one submission).

gnomAD v4.1: 1 of 1,077,226 alleles (0.000093%); highest among the groups gnomAD compares: Non-Finnish European, 0.00013%; no homozygotes.

Submission:

Mayo Clinic Laboratories, Mayo Clinic
Classification: Likely benign. Last evaluated: 2025-10-28. Review status: criteria provided, single submitter. Criteria: ACMG Guidelines, 2015. Collection method: clinical testing. Allele origin: germline. Observed: 1 variant allele.
Comment: BP4, BP7